The following is an entry in ClinVar:

ClinVar aggregate classification (germline): Uncertain significance. Review status: criteria provided, multiple submitters, no conflicts (2 of 4 stars). 2 submissions from 2 submitters: Uncertain significance (2). Last evaluated 2024-05-15.

Conditions:
Congenital muscular dystrophy due to integrin alpha-7 deficiency. Also called: MYOPATHY, CONGENITAL, DUE TO INTEGRIN ALPHA-7 DEFICIENCY; Congenital muscular dystrophy with integrin alpha-7 deficiency; Muscular dystrophy, congenital, due to ITGA7 deficiency. Identifiers: Orphanet 34520, MedGen C2750786, MONDO:0013177, OMIM 613204.

Allele frequency attached by ClinVar (database versions not stated): gnomAD 0.00001; gnomAD exomes 0.00001; TOPMed 0.00001; ExAC 0.00002.

Submissions (2):

Labcorp Genetics (formerly Invitae), Labcorp
Classification: Uncertain significance for Congenital muscular dystrophy due to integrin alpha-7 deficiency. Last evaluated: 2024-05-15. Review status: criteria provided, single submitter. Criteria: Invitae Variant Classification Sherloc (09022015). Collection method: clinical testing. Allele origin: germline.
Comment: This sequence change replaces threonine, which is neutral and polar, with methionine, which is neutral and non-polar, at codon 786 of the ITGA7 protein (p.Thr786Met). This variant is present in population databases (rs768483558, gnomAD 0.007%). This variant has not been reported in the literature in individuals affected with ITGA7-related conditions. ClinVar contains an entry for this variant (Variation ID: 2154859). An algorithm developed to predict the effect of missense changes on protein structure and function (PolyPhen-2) suggests that this variant is likely to be disruptive. In summary, the available evidence is currently insufficient to determine the role of this variant in disease. Therefore, it has been classified as a Variant of Uncertain Significance.

Revvity Omics, Revvity
Classification: Uncertain significance for Congenital muscular dystrophy due to integrin alpha-7 deficiency. Last evaluated: 2023-04-18. Review status: criteria provided, single submitter. Criteria: ACMG Guidelines, 2015. Collection method: clinical testing. Allele origin: germline.

NM_002206.3(ITGA7):c.2357C>T (p.Thr786Met)

Genes: ITGA7 (integrin subunit alpha 7; minus strand), LOC126861535 (CDK7 strongly-dependent group 2 enhancer GRCh37_chr12:56087579-56088778; plus strand). Cytogenetic location: 12q13.2.
Variant type: single nucleotide variant.
Coding change: c.2357C>T on transcript NM_002206.3 (MANE Select); coding-DNA position 2357, C replaced by T.
Protein change: p.Thr786Met; replaces threonine 786 with methionine.
Molecular consequence: missense variant.
Genome position (GRCh38, 1-based): chr12:55,694,443, G>A on the plus strand (C>T on the coding strand, the complement: ITGA7 is on the minus strand). VCF-style: chr12-55694443-G-A. GRCh37 (hg19) VCF-style: chr12-56088227-G-A.
Other names: c.2369C>T, p.Thr790Met (NM_001144996.2); c.2078C>T, p.Thr693Met (NM_001144997.2); c.2030C>T, p.Thr677Met (NM_001367993.1); c.1013C>T, p.Thr338Met (NM_001367994.1); c.2339C>T, p.Thr780Met (NM_001374465.1); c.2489C>T, p.Thr830Met (NM_001410977.1); c.2351C>T, p.Thr784Met (NM_001414029.1); c.2282C>T, p.Thr761Met (NM_001414030.1); and 5 more; short protein forms T711M, T725M, T757M, T761M, T693M, T786M, T830M, T338M.
Identifiers: ClinVar variation 2154859 (VCV002154859.5), dbSNP rs768483558, ClinGen allele CA6615645.